The following is an entry in ClinVar:

NM_182961.4(SYNE1):c.781G>A (p.Val261Ile)

Gene: SYNE1 (spectrin repeat containing nuclear envelope protein 1; minus strand). Cytogenetic location: 6q25.2.
Variant type: single nucleotide variant.
Coding change: c.781G>A on transcript NM_182961.4 (MANE Select); coding-DNA position 781, G replaced by A.
Protein change: p.Val261Ile; replaces valine 261 with isoleucine.
Molecular consequence: missense variant.
Genome position (GRCh38, 1-based): chr6:152,502,740, C>T on the plus strand (G>A on the coding strand, the complement: SYNE1 is on the minus strand). VCF-style: chr6-152502740-C-T. GRCh37 (hg19) VCF-style: chr6-152823875-C-T.
Other names: c.802G>A, p.Val268Ile (NM_033071.5); short protein forms V261I, V268I.
Identifiers: ClinVar variation 499695 (VCV000499695.14), dbSNP rs144069436, ClinGen allele CA4059613.
Genomic context (GRCh38, chr6:152,502,740, plus strand): 5'-GTTTCAGAAACTGGGCTACATAGGTCATAATAGATTTCTCATCTGGTTTATCCACATCAA[C>T]GTCTGAAAAAACAAAAAAGAAATGTGAATAAACTAATTAGCATTCATTGGATTTTGATAA-3'
Protein context (NP_892006.3, residues 251-271): GIPRLLDPED[Val261Ile]DVDKPDEKSI

ClinVar aggregate classification (germline): Uncertain significance. Review status: criteria provided, multiple submitters, no conflicts (2 of 4 stars). 3 submissions from 3 submitters: Uncertain significance (3). Last evaluated 2021-08-24.

Conditions:
Emery-Dreifuss muscular dystrophy 4, autosomal dominant (EDMD4). Also called: EMERY-DREIFUSS MUSCULAR DYSTROPHY 4 WITH VARIABLE FEATURES. Identifiers: Orphanet 261, MedGen C2751807, MONDO:0013071, OMIM 612998.
Autosomal recessive ataxia, Beauce type. Also called: SYNE1 Deficiency; Spinocerebellar ataxia, autosomal recessive 8; ATAXIA, RECESSIVE, OF BEAUCE; SYNE1-Related Autosomal Recessive Cerebellar Ataxia. Identifiers: Orphanet 88644, MedGen C1853116, MONDO:0012549, OMIM 610743.

Allele frequency attached by ClinVar (database versions not stated): gnomAD 0.00001 and 0.00003; gnomAD exomes 0.00002 and 0.00003; TOPMed 0.00002; ExAC 0.00003; ESP Exome Variant Server 0.00008.

Submissions (3):

Labcorp Genetics (formerly Invitae), Labcorp
Classification: Uncertain significance for Emery-Dreifuss muscular dystrophy 4, autosomal dominant; Autosomal recessive ataxia, Beauce type. Last evaluated: 2021-08-24. Review status: criteria provided, single submitter. Criteria: Invitae Variant Classification Sherloc (09022015). Collection method: clinical testing. Allele origin: germline.
Comment: This sequence change replaces valine with isoleucine at codon 268 of the SYNE1 protein (p.Val268Ile). The valine residue is moderately conserved and there is a small physicochemical difference between valine and isoleucine. This variant is present in population databases (rs144069436, ExAC 0.04%). This variant has not been reported in the literature in individuals affected with SYNE1-related conditions. ClinVar contains an entry for this variant (Variation ID: 499695). Algorithms developed to predict the effect of missense changes on protein structure and function are either unavailable or do not agree on the potential impact of this missense change (SIFT: "Tolerated"; PolyPhen-2: "Possibly Damaging"; Align-GVGD: "Class C0"). In summary, the available evidence is currently insufficient to determine the role of this variant in disease. Therefore, it has been classified as a Variant of Uncertain Significance.

Revvity Omics, Revvity
Classification: Uncertain significance. Last evaluated: 2019-09-27. Review status: criteria provided, single submitter. Criteria: ACMG Guidelines, 2015. Collection method: clinical testing. Allele origin: germline.

Eurofins Ntd Llc (ga)
Classification: Uncertain significance. Last evaluated: 2017-01-09. Review status: criteria provided, single submitter. Criteria: EGL Classification Definitions 2015. Collection method: clinical testing. Allele origin: germline. Observed: 1 variant allele, 1 heterozygote.